The following is an entry in ClinVar:

NM_000037.4(ANK1):c.1107+1G>T

Gene: ANK1 (ankyrin 1; minus strand). Cytogenetic location: 8p11.21.
Variant type: single nucleotide variant.
Coding change: c.1107+1G>T on transcript NM_000037.4 (MANE Select); the canonical splice donor site of the intron after coding-DNA position 1107, G replaced by T.
Molecular consequence: splice donor variant.
Genome position (GRCh38, 1-based): chr8:41,719,660, C>A on the plus strand (G>T on the coding strand, the complement: ANK1 is on the minus strand). VCF-style: chr8-41719660-C-A. GRCh37 (hg19) VCF-style: chr8-41577178-C-A.
Other names: c.1206+1G>T (NM_001142446.2); c.1107+1G>T (NM_020477.3, NM_020475.3, NM_020476.3).
Identifiers: ClinVar variation 3344056 (VCV003344056.1).

ClinVar aggregate classification (germline): Likely pathogenic (0 of 4 stars; one submission).

Conditions:
ANK1-related disorder. Also called: ANK1-related condition.

Submission:

PreventionGenetics, part of Exact Sciences
Classification: Likely pathogenic for ANK1-related condition. Last evaluated: 2024-04-17. Review status: no assertion criteria provided. Collection method: clinical testing. Allele origin: germline.
Comment: The ANK1 c.1107+1G>T variant is predicted to disrupt the GT donor site and interfere with normal splicing. To our knowledge, this variant has not been reported in the literature or in a large population database, indicating this variant is rare. Variants that disrupt the consensus splice donor site in ANK1 are expected to be pathogenic. This variant is interpreted as likely pathogenic.